The following is an entry in ClinVar:

ClinVar aggregate classification (germline): Uncertain significance (1 of 4 stars; one submission).

Conditions:
Creatine transporter deficiency (CCDS1). Also called: CREATINE TRANSPORTER DEFECT; Creatine Transporter (CRTR) Deficiency; Mental retardation , X-linked with seizures, short stature and midface hypoplasia; Mental retardation , X-linked, with creatine transport deficiency; X-linked creatine transporter deficiency; X-linked creatine deficiency syndrome. Identifiers: Orphanet 52503, MedGen C1845862, MONDO:0010305, OMIM 300352.

Submission:

Myriad Genetics, Inc.
Classification: Uncertain significance for Creatine transporter deficiency. Last evaluated: 2026-07-20. Review status: criteria provided, single submitter. Criteria: Myriad Autosomal Dominant, Autosomal Recessive and X-Linked Classification Criteria (2023). Collection method: clinical testing. Allele origin: unknown.
Comment: NM_005629.3(SLC6A8):c.1597-37_1597-36ins51 is an intronic variant classified as a variant of uncertain significance in the context of creatine transporter deficiency. c.1597-37_1597-36ins51 has not been observed in cases with relevant disease. Relevant functional assessments of this variant are not available in the literature. c.1597-37_1597-36ins51 has not been observed in referenced population frequency databases. In summary, there is insufficient evidence to classify NM_005629.3(SLC6A8):c.1597-37_1597-36ins51 as pathogenic or benign. Please note: this variant was assessed in the context of healthy population screening.

NM_005629.4(SLC6A8):c.1597-37_1597-36insGGCGAGGCAGGGCGGGGGGCGAGGCAGGGCGGGGGGCGAGGCAGGGCGGGG

Gene: SLC6A8 (solute carrier family 6 member 8; plus strand). Cytogenetic location: Xq28.
Variant type: Microsatellite.
Coding change: c.1597-37_1597-36insGGCGAGGCAGGGCGGGGGGCGAGGCAGGGCGGGGGGCGAGGCAGGGCGGGG on transcript NM_005629.4 (MANE Select); 37 bases into the intron before coding-DNA position 1597 through 36 bases into the intron before coding-DNA position 1597, GGCGAGGCAGGGCGGGGGGCGAGGCAGGGCGGGGGGCGAGGCAGGGCGGGG inserted.
Molecular consequence: intron variant.
Genome position: GRCh38, VCF-style position (the base before the change): chrX:153,694,653. GRCh37 (hg19), VCF-style position (the base before the change): chrX:152,960,108.
Other names: c.1567-37_1567-36insGGCGAGGCAGGGCGGGGGGCGAGGCAGGGCGGGGGGCGAGGCAGGGCGGGG (NM_001142805.2); c.1252-37_1252-36insGGCGAGGCAGGGCGGGGGGCGAGGCAGGGCGGGGGGCGAGGCAGGGCGGGG (NM_001142806.1).
Identifiers: ClinVar variation 5004022 (VCV005004022.1).